The following is an entry in ClinVar:

ClinVar aggregate classification (germline): Pathogenic (1 of 4 stars; one submission).

Conditions:
Congenital myasthenic syndrome 4A. Also called: Myasthenic syndrome, congenital, 4a, slow-channel; CONGENITAL MYASTHENIC SYNDROME TYPE Ia1; MYASTHENIC SYNDROME, CONGENITAL, 4A, SLOW-CHANNEL, AUTOSOMAL RECESSIVE. Identifiers: Orphanet 590, MedGen C4225413, MONDO:0011600, OMIM 605809.

Submission:

Labcorp Genetics (formerly Invitae), Labcorp
Classification: Pathogenic for Congenital myasthenic syndrome 4A. Last evaluated: 2023-08-28. Review status: criteria provided, single submitter. Criteria: Invitae Variant Classification Sherloc (09022015). Collection method: clinical testing. Allele origin: germline.
Comment: For these reasons, this variant has been classified as Pathogenic. This variant has not been reported in the literature in individuals affected with CHRNE-related conditions. This sequence change creates a premature translational stop signal (p.Gln169*) in the CHRNE gene. It is expected to result in an absent or disrupted protein product. Loss-of-function variants in CHRNE are known to be pathogenic (PMID: 22678886). This variant is not present in population databases (gnomAD no frequency).

Literature cited by the submitters: PubMed 22678886.

NM_000080.4(CHRNE):c.505C>T (p.Gln169Ter)

Genes: C17orf107 (chromosome 17 open reading frame 107; plus strand), CHRNE (cholinergic receptor nicotinic epsilon subunit; minus strand). Cytogenetic location: 17p13.2.
Variant type: single nucleotide variant.
Coding change: c.505C>T on transcript NM_000080.4 (MANE Select); coding-DNA position 505, C replaced by T.
Protein change: p.Gln169Ter; replaces glutamine 169 with a stop codon.
Molecular consequence: nonsense. On other transcripts: 3 prime UTR variant (1).
Genome position (GRCh38, 1-based): chr17:4,901,621, G>A on the plus strand (C>T on the coding strand, the complement: CHRNE is on the minus strand). VCF-style: chr17-4901621-G-A. GRCh37 (hg19) VCF-style: chr17-4804916-G-A.
Other names: c.*1088G>A (NM_001145536.2); short protein forms Q169*.
Identifiers: ClinVar variation 2780994 (VCV002780994.3), dbSNP rs2507557553, ClinGen allele CA397306037.